The following is an entry in ClinVar:

ClinVar aggregate classification (germline): Uncertain significance. Review status: criteria provided, multiple submitters, no conflicts (2 of 4 stars). 2 submissions from 2 submitters: Uncertain significance (2). Last evaluated 2025-05-08.

Conditions:
Developmental and epileptic encephalopathy, 13 (DEE13). Also called: Early infantile epileptic encephalopathy 13; Developmental and Epileptic Encephalopathy (SCN8A-DEE); SCN8A-Related Epilepsy. Identifiers: Orphanet 442835, MedGen C3281191, MONDO:0013801, OMIM 614558.

Submissions (2):

GeneDx
Classification: Uncertain significance. Last evaluated: 2025-05-08. Review status: criteria provided, single submitter. Criteria: GeneDx Variant Classification Process June 2021. Collection method: clinical testing. Allele origin: germline. Affected: yes.
Comment: Has not been previously published as pathogenic or benign to our knowledge; Not observed at significant frequency in large population cohorts (gnomAD); In silico analysis suggests that this missense variant does not alter protein structure/function; This substitution is predicted to be within the cytoplasmic loop between the second and third homologous domains

Victorian Clinical Genetics Services, Murdoch Childrens Research Institute
Classification: Uncertain significance for Developmental and epileptic encephalopathy, 13. Last evaluated: 2021-05-06. Review status: criteria provided, single submitter. Criteria: ACMG Guidelines, 2015. Collection method: clinical testing. Allele origin: germline. Inheritance: Autosomal dominant inheritance. Affected: yes.
Comment: Based on the classification scheme VCGS_Germline_v1.3.4, this variant is classified as VUS-3A. Following criteria are met: 0103 - Loss of function and gain of function are known mechanisms of disease in this gene, and are associated with cognitive impairment with or without cerebellar ataxia (MIM#614306), and developmental and epileptic encephalopathy 13 (MIM#614558), respectively. In addition, gain of function is speculated for benign familial infantile seizures, 5 (MIM#617080) (PMID: 31904124, OMIM). (I) 0107 - This gene is associated with autosomal dominant disease. (I) 0200 - Variant is predicted to result in a missense amino acid change from leucine to phenylalanine. (I) 0251 - This variant is heterozygous. (I) 0301 - Variant is absent from gnomAD (both v2 and v3). (SP) 0502 - Missense variant with conflicting in silico predictions and uninformative conservation. (I) 0603 - Missense variant in a region that is highly intolerant to missense variation (high constraint region in DECIPHER). (SP) 0705 - No comparable missense variants have previous evidence for pathogenicity. (I) 0807 - This variant has no previous evidence of pathogenicity. (I) 0905 - No published segregation evidence has been identified for this variant. (I) 1007 - No published functional evidence has been identified for this variant. (SP) Legend: (SP) - Supporting pathogenic, (I) - Information, (SB) - Supporting benign

Literature cited by the submitters: PubMed 31904124 (cited by Victorian Clinical Genetics Services, Murdoch Childrens Research Institute).

NM_001330260.2(SCN8A):c.3577C>T (p.Leu1193Phe)

Gene: SCN8A (sodium voltage-gated channel alpha subunit 8; plus strand). Cytogenetic location: 12q13.13.
Variant type: single nucleotide variant.
Coding change: c.3577C>T on transcript NM_001330260.2 (MANE Select); coding-DNA position 3577, C replaced by T.
Protein change: p.Leu1193Phe; replaces leucine 1193 with phenylalanine.
Molecular consequence: missense variant.
Genome position (GRCh38, 1-based): chr12:51,770,615, C>T. VCF-style: chr12-51770615-C-T. GRCh37 (hg19) VCF-style: chr12-52164399-C-T.
Other names: c.3577C>T, p.Leu1193Phe (NM_001177984.3, NM_001369788.1, NM_014191.4); c.3577C>T (NM_014191.3); short protein forms L1193F.
Identifiers: ClinVar variation 1699087 (VCV001699087.4), dbSNP rs2138871696, ClinGen allele CA384896674.
Genomic context (GRCh38, chr12:51,770,615, plus strand): 5'-CAGGTCAACATCGAGGAAGGGCTAGGCAAGTCTTGGTGGATCCTGCGGAAAACCTGCTTC[C>T]TCATCGTGGAGCACAACTGGTTTGAGACCTTCATCATCTTCATGATTCTGCTGAGCAGTG-3'
Protein context (NP_001317189.1, residues 1183-1203): SWWILRKTCF[Leu1193Phe]IVEHNWFETF